The following is an entry in ClinVar:

ClinVar aggregate classification (germline): Likely benign. Review status: criteria provided, multiple submitters, no conflicts (2 of 4 stars). 2 submissions from 2 submitters: Likely benign (2). Last evaluated 2025-07-15.

Allele frequency attached by ClinVar (database versions not stated): gnomAD exomes below 0.00001; gnomAD 0.00004; ExAC 0.00005; TOPMed 0.00007; ESP Exome Variant Server 0.00016.
gnomAD v4.1: 9 of 1,596,696 alleles (0.00056%); highest among the groups gnomAD compares: African/African-American, 0.0094%; no homozygotes.

Submissions (2):

Mayo Clinic Laboratories, Mayo Clinic
Classification: Likely benign. Last evaluated: 2025-07-15. Review status: criteria provided, single submitter. Criteria: ACMG Guidelines, 2015. Collection method: clinical testing. Allele origin: germline. Observed: 1 variant allele.
Comment: BP4, BP7, PM2_supporting

Labcorp Genetics (formerly Invitae), Labcorp
Classification: Likely benign. Last evaluated: 2022-09-15. Review status: criteria provided, single submitter. Criteria: Invitae Variant Classification Sherloc (09022015). Collection method: clinical testing. Allele origin: germline.

NM_138477.4(CDAN1):c.438C>T (p.Pro146=)

Genes: CDAN1 (codanin 1; minus strand), LOC130056931 (ATAC-STARR-seq lymphoblastoid silent region 6376; plus strand). Cytogenetic location: 15q15.2.
Variant type: single nucleotide variant.
Coding change: c.438C>T on transcript NM_138477.4 (MANE Select); coding-DNA position 438, C replaced by T.
Protein change: p.Pro146=; no amino-acid change (proline 146 retained).
Molecular consequence: synonymous variant.
Genome position (GRCh38, 1-based): chr15:42,736,433, G>A on the plus strand (C>T on the coding strand, the complement: CDAN1 is on the minus strand). VCF-style: chr15-42736433-G-A. GRCh37 (hg19) VCF-style: chr15-43028631-G-A.
Other names: p.Pro146=.
Identifiers: ClinVar variation 2185877 (VCV002185877.5), dbSNP rs372488868, ClinGen allele CA7516417.
Genomic context (GRCh38, chr15:42,736,433, plus strand): 5'-CAGCGTGAGGCTGGGGCGGCTGGGGCTGCCAGAGCCCCTAAGCCTCCGGCCCCCGGCTCC[G>A]GGCAGGCTCTCCCCGCTGACCCCCTCCTCCAGGCCGCGGCCTCCACGCTCGCGGGCCGGC-3'
Protein context (NP_612486.2, residues 136-156): LEEGVSGESL[Pro146=]GAGGRRLRGS